The following is an entry in ClinVar:

NM_001080.3(ALDH5A1):c.267G>A (p.Met89Ile)

Genes: ALDH5A1 (aldehyde dehydrogenase 5 family member A1; plus strand), GPLD1 (glycosylphosphatidylinositol specific phospholipase D1; minus strand), LOC129995978 (ATAC-STARR-seq lymphoblastoid silent region 16989; plus strand). Cytogenetic location: 6p22.3.
Variant type: single nucleotide variant.
Coding change: c.267G>A on transcript NM_001080.3 (MANE Select); coding-DNA position 267, G replaced by A.
Protein change: p.Met89Ile; replaces methionine 89 with isoleucine.
Molecular consequence: missense variant.
Genome position (GRCh38, 1-based): chr6:24,495,263, G>A. VCF-style: chr6-24495263-G-A. GRCh37 (hg19) VCF-style: chr6-24495491-G-A.
Other names: c.267G>A, p.Met89Ile (NM_001368954.1, NM_170740.1); short protein forms M89I.
Identifiers: ClinVar variation 1349122 (VCV001349122.6), dbSNP rs964260186, ClinGen allele CA362968563.
Genomic context (GRCh38, chr6:24,495,263, plus strand): 5'-GCTCCCGGCCGCCGCCACCTTCCCCGTGCAAGACCCGGCCAGCGGCGCCGCTCTGGGCAT[G>A]GTAGCCGACTGCGGGGTGCGAGAGGCCCGCGCCGCCGTGCGCGCTGCCTACGAGGCTTTC-3'
Protein context (NP_001071.1, residues 79-99): QDPASGAALG[Met89Ile]VADCGVREAR

ClinVar aggregate classification (germline): Uncertain significance (1 of 4 stars; one submission).

Conditions:
Succinate-semialdehyde dehydrogenase deficiency (SSADHD). Also called: 4-HYDROXYBUTYRIC ACIDURIA; Succinic Semialdehyde Dehydrogenase Deficiency; SSADH DEFICIENCY; GABA METABOLIC DEFECT. Identifiers: Orphanet 22, MedGen C0268631, MONDO:0010083, OMIM 271980.

Allele frequency attached by ClinVar (database versions not stated): gnomAD 0.00001.
gnomAD v4.1: 4 of 1,532,450 alleles (0.00026%); highest among the groups gnomAD compares: East Asian, 0.0025%; no homozygotes.

Submission:

Labcorp Genetics (formerly Invitae), Labcorp
Classification: Uncertain significance for Succinate-semialdehyde dehydrogenase deficiency. Last evaluated: 2021-06-24. Review status: criteria provided, single submitter. Criteria: Invitae Variant Classification Sherloc (09022015). Collection method: clinical testing. Allele origin: germline.
Comment: In summary, the available evidence is currently insufficient to determine the role of this variant in disease. Therefore, it has been classified as a Variant of Uncertain Significance. Algorithms developed to predict the effect of sequence changes on RNA splicing suggest that this variant may create or strengthen a splice site, but this prediction has not been confirmed by published transcriptional studies. Advanced modeling of protein sequence and biophysical properties (such as structural, functional, and spatial information, amino acid conservation, physicochemical variation, residue mobility, and thermodynamic stability) performed at Invitae indicates that this missense variant is not expected to disrupt ALDH5A1 protein function. This variant has not been reported in the literature in individuals with ALDH5A1-related conditions. The frequency data for this variant in the population databases is considered unreliable, as metrics indicate insufficient coverage at this position in the ExAC database. This sequence change replaces methionine with isoleucine at codon 89 of the ALDH5A1 protein (p.Met89Ile). The methionine residue is weakly conserved and there is a small physicochemical difference between methionine and isoleucine.